The following is an entry in ClinVar:

ClinVar aggregate classification (germline): Uncertain significance. Review status: criteria provided, multiple submitters, no conflicts (2 of 4 stars). 2 submissions from 2 submitters: Uncertain significance (2). Last evaluated 2025-05-28.

Conditions:
Glomerulopathy with fibronectin deposits 2 (GFND2). Identifiers: Orphanet 84090, MedGen C1866075, MONDO:0011165, OMIM 601894.
Spondylometaphyseal dysplasia - Sutcliffe type. Also called: Spondylometaphyseal Dysplasia, Corner Fracture Type; Sutcliffe type of spondylometaphyseal dysplasia; Sutcliffe SMD; Spondylometaphyseal dysplasia, 'corner fracture' type. Identifiers: Orphanet 93315, MedGen C0432221, MONDO:0008479, OMIM 184255.

Allele frequency attached by ClinVar (database versions not stated): gnomAD exomes 0.00001; ExAC 0.00002; gnomAD 0.00002; TOPMed 0.00002.
gnomAD v4.1: 15 of 1,613,810 alleles (0.00093%); highest among the groups gnomAD compares: Admixed American, 0.01%; no homozygotes.

Submissions (2):

Labcorp Genetics (formerly Invitae), Labcorp
Classification: Uncertain significance. Last evaluated: 2025-05-28. Review status: criteria provided, single submitter. Criteria: Invitae Variant Classification Sherloc (09022015). Collection method: clinical testing. Allele origin: germline.
Comment: This sequence change affects codon 281 of the FN1 mRNA. It is a 'silent' change, meaning that it does not change the encoded amino acid sequence of the FN1 protein. It affects a nucleotide within the consensus splice site. This variant is present in population databases (rs765027981, gnomAD 0.01%). This variant has not been reported in the literature in individuals affected with FN1-related conditions. ClinVar contains an entry for this variant (Variation ID: 2958695). Algorithms developed to predict the effect of sequence changes on RNA splicing suggest that this variant is not likely to affect RNA splicing. In summary, the available evidence is currently insufficient to determine the role of this variant in disease. Therefore, it has been classified as a Variant of Uncertain Significance.

Fulgent Genetics
Classification: Uncertain significance for Spondylometaphyseal dysplasia - Sutcliffe type; Glomerulopathy with fibronectin deposits 2. Last evaluated: 2024-03-13. Review status: criteria provided, single submitter. Criteria: ACMG Guidelines, 2015. Collection method: clinical testing. Allele origin: germline.

NM_212482.4(FN1):c.843C>T (p.Ser281=)

Gene: FN1 (fibronectin 1; minus strand). Cytogenetic location: 2q35.
Variant type: single nucleotide variant.
Coding change: c.843C>T on transcript NM_212482.4 (MANE Select); coding-DNA position 843, C replaced by T.
Protein change: p.Ser281=; no amino-acid change (serine 281 retained).
Molecular consequence: synonymous variant.
Genome position (GRCh38, 1-based): chr2:215,428,181, G>A on the plus strand (C>T on the coding strand, the complement: FN1 is on the minus strand). VCF-style: chr2-215428181-G-A. GRCh37 (hg19) VCF-style: chr2-216292904-G-A.
Other names: c.843C>T, p.Ser281= (NM_001306129.2, NM_001306130.2, NM_001306131.2 and 14 more transcripts).
Identifiers: ClinVar variation 2958695 (VCV002958695.4), dbSNP rs765027981, ClinGen allele CA2095464.